The following is an entry in ClinVar:

ClinVar aggregate classification (germline): Likely benign. Review status: reviewed by expert panel (3 of 4 stars). 15 submissions from 15 submitters: Likely benign (1). 14 of the submissions do not count toward it. Last evaluated 2017-06-29.

Conditions:
Familial pancreatic carcinoma. Identifiers: Orphanet 1333, MedGen C2931038, MONDO:0015278, OMIM 260350.
BRCA2-related disorder. Also called: BRCA2-related condition; BRCA2-related disorders. Identifiers: MedGen CN239275.
Hereditary cancer-predisposing syndrome. Also called: Tumor predisposition; Hereditary neoplastic syndrome; Neoplastic Syndromes, Hereditary; Hereditary Cancer Syndrome. Identifiers: Orphanet 140162, MedGen C0027672, MeSH D009386, MONDO:0015356.
Hereditary breast ovarian cancer syndrome. Also called: Hereditary breast and/or ovarian cancer syndrome; Hereditary breast and ovarian cancer syndrome; Hereditary breast and ovarian cancer syndrome (HBOC); Hereditary breast and ovarian cancer; Breast and ovarian cancer; BRCA1- and BRCA2-Associated Hereditary Breast and Ovarian Cancer. Identifiers: Orphanet 145, MedGen C0677776, MeSH D061325, MONDO:0003582. Disease mechanism: loss of function.
Breast-ovarian cancer, familial, susceptibility to, 2 (BROVCA2). Also called: BRCA2 Hereditary Breast and Ovarian Cancer. Identifiers: Orphanet 145, MedGen C2675520, MONDO:0012933, OMIM 612555. Disease mechanism: loss of function.

Allele frequency attached by ClinVar (database versions not stated): TOPMed 0.00007.
gnomAD v4.1: 32 of 1,613,720 alleles (0.002%); highest among the groups gnomAD compares: Non-Finnish European, 0.0027%; no homozygotes.

Submissions (15):

Evidence-based Network for the Interpretation of Germline Mutant Alleles (ENIGMA)
Classification: Likely benign for Breast-ovarian cancer, familial, susceptibility to, 2. Last evaluated: 2017-06-29. Review status: reviewed by expert panel. Criteria: ENIGMA BRCA1/2 Classification Criteria (2017-06-29). Collection method: curation. Allele origin: germline.
Comment: Synonymous substitution variant, with low bioinformatic likelihood to result in a splicing aberration (Splicing prior probability 0.02).

Labcorp Genetics (formerly Invitae), Labcorp
Classification: Likely benign for Hereditary breast ovarian cancer syndrome. Last evaluated: 2026-01-19. Review status: criteria provided, single submitter. Criteria: Invitae Variant Classification Sherloc (09022015). Collection method: clinical testing. Allele origin: germline. Not counted in ClinVar's aggregate classification.

Center for Genomic Medicine, Rigshospitalet, Copenhagen University Hospital
Classification: Likely benign. Last evaluated: 2025-12-29. Review status: criteria provided, single submitter. Criteria: ACMG Guidelines, 2015. Collection method: clinical testing. Allele origin: germline. Not counted in ClinVar's aggregate classification.

All of Us Research Program, National Institutes of Health
Classification: Likely benign for Breast-ovarian cancer, familial, susceptibility to, 2. Last evaluated: 2023-12-01. Review status: criteria provided, single submitter. Criteria: ACMG Guidelines, 2015. Collection method: clinical testing. Allele origin: germline. Inheritance: Autosomal dominant inheritance. Observed: 5 variant alleles, 5 heterozygotes. Not counted in ClinVar's aggregate classification.
Comment: This study involves interpretation of variants in research participants for the purpose of population health screening. Participant phenotype was not available at the time of variant classification. Additional details can be found in publication PMID: 35346344, PMCID: PMC8962531

Quest Diagnostics Nichols Institute San Juan Capistrano
Classification: Likely benign. Last evaluated: 2023-01-25. Review status: criteria provided, single submitter. Criteria: Quest Diagnostics criteria. Collection method: clinical testing. Allele origin: unknown. Not counted in ClinVar's aggregate classification.

Blueprint Genetics
Classification: Likely benign. Last evaluated: 2022-12-16. Review status: criteria provided, single submitter. Criteria: ACMG Guidelines, 2015. Collection method: clinical testing. Allele origin: germline. Not counted in ClinVar's aggregate classification.

Women's Health and Genetics/Laboratory Corporation of America, LabCorp
Classification: Likely benign. Last evaluated: 2022-06-02. Review status: criteria provided, single submitter. Criteria: LabCorp Variant Classification Summary - May 2015. Collection method: clinical testing. Allele origin: germline. Not counted in ClinVar's aggregate classification.

Sema4
Classification: Likely benign for Hereditary cancer-predisposing syndrome. Last evaluated: 2021-07-27. Review status: criteria provided, single submitter. Criteria: Sema4 Curation Guidelines. Collection method: curation. Allele origin: germline. Not counted in ClinVar's aggregate classification.

Department of Pathology and Laboratory Medicine, Sinai Health System
Classification: Likely benign for Familial pancreatic carcinoma. Last evaluated: 2019-09-27. Review status: criteria provided, single submitter. Criteria: ACMG Guidelines, 2015. Collection method: clinical testing. Allele origin: germline. Affected: yes. Not counted in ClinVar's aggregate classification.

Color Diagnostics, LLC DBA Color Health
Classification: Likely benign for Hereditary cancer-predisposing syndrome. Last evaluated: 2017-01-26. Review status: criteria provided, single submitter. Criteria: ACMG Guidelines, 2015. Collection method: clinical testing. Allele origin: germline. Not counted in ClinVar's aggregate classification.

Genomic Diagnostic Laboratory, Division of Genomic Diagnostics, Children's Hospital of Philadelphia
Classification: Benign for Hereditary Breast and Ovarian Cancer. Last evaluated: 2015-07-30. Review status: criteria provided, single submitter. Criteria: DGD Variant Analysis Guidelines. Collection method: clinical testing. Allele origin: unknown. Not counted in ClinVar's aggregate classification.

Ambry Genetics
Classification: Likely benign for Hereditary cancer-predisposing syndrome. Last evaluated: 2015-04-24. Review status: criteria provided, single submitter. Criteria: Ambry Variant Classification Scheme 2023. Collection method: clinical testing. Allele origin: germline. Not counted in ClinVar's aggregate classification.

GeneDx
Classification: Benign. Last evaluated: 2014-04-29. Review status: criteria provided, single submitter. Criteria: GeneDx Variant Classification (06012015). Collection method: clinical testing. Allele origin: germline. Affected: yes. Not counted in ClinVar's aggregate classification.
Comment: This variant is considered likely benign or benign based on one or more of the following criteria: it is a conservative change, it occurs at a poorly conserved position in the protein, it is predicted to be benign by multiple in silico algorithms, and/or has population frequency not consistent with disease.

PreventionGenetics, part of Exact Sciences
Classification: Likely benign for BRCA2-related condition. Last evaluated: 2022-04-11. Review status: no assertion criteria provided. Collection method: clinical testing. Allele origin: germline. Not counted in ClinVar's aggregate classification.
Comment: This variant is classified as likely benign based on ACMG/AMP sequence variant interpretation guidelines (Richards et al. 2015 PMID: 25741868, with internal and published modifications).

Counsyl
Classification: Likely benign for Breast-ovarian cancer, familial, susceptibility to, 2. Last evaluated: 2018-03-23. Review status: no assertion criteria provided. Collection method: clinical testing. Allele origin: unknown. Not counted in ClinVar's aggregate classification.

Literature cited by the submitters: PubMed 20859677 (cited by Quest Diagnostics Nichols Institute San Juan Capistrano and Counsyl); PubMed 16616110 (cited by Quest Diagnostics Nichols Institute San Juan Capistrano and Department of Pathology and Laboratory Medicine, Sinai Health System).

NM_000059.4(BRCA2):c.8850G>A (p.Lys2950=)

Gene: BRCA2 (BRCA2 DNA repair associated; plus strand). Cytogenetic location: 13q13.1.
Variant type: single nucleotide variant.
Coding change: c.8850G>A on transcript NM_000059.4 (MANE Select); coding-DNA position 8850, G replaced by A.
Protein change: p.Lys2950=; no amino-acid change (lysine 2950 retained).
Molecular consequence: synonymous variant.
Genome position (GRCh38, 1-based): chr13:32,379,412, G>A. VCF-style: chr13-32379412-G-A. GRCh37 (hg19) VCF-style: chr13-32953549-G-A.
Other names: p.K2950K:AAG>AAA.
Identifiers: ClinVar variation 136571 (VCV000136571.34), dbSNP rs28897754, ClinGen allele CA025849.